The following is an entry in ClinVar:

NM_005267.5(GJA8):c.45T>G (p.Asn15Lys)

Gene: GJA8 (gap junction protein alpha 8; plus strand). Cytogenetic location: 1q21.2.
Variant type: single nucleotide variant.
Coding change: c.45T>G on transcript NM_005267.5 (MANE Select); coding-DNA position 45, T replaced by G.
Protein change: p.Asn15Lys; replaces asparagine 15 with lysine.
Molecular consequence: missense variant.
Genome position (GRCh38, 1-based): chr1:147,908,000, T>G. VCF-style: chr1-147908000-T-G. GRCh37 (hg19) VCF-style: chr1-147380127-T-G.
Other names: short protein forms N15K.
Identifiers: ClinVar variation 2577732 (VCV002577732.1), dbSNP rs2524888437, ClinGen allele CA342222895.

ClinVar aggregate classification (germline): Uncertain significance (1 of 4 stars; one submission).

Submission:

GeneDx
Classification: Uncertain significance. Last evaluated: 2023-02-26. Review status: criteria provided, single submitter. Criteria: GeneDx Variant Classification Process June 2021. Collection method: clinical testing. Allele origin: germline. Affected: yes.
Comment: Not observed at significant frequency in large population cohorts (gnomAD); In silico analysis supports that this missense variant does not alter protein structure/function; Has not been previously published as pathogenic or benign to our knowledge